The following is an entry in ClinVar:

ClinVar aggregate classification (germline): Conflicting classifications of pathogenicity. Review status: criteria provided, conflicting classifications (1 of 4 stars). 7 submissions from 7 submitters: Uncertain significance (5); Likely benign (1). 1 of the submissions does not count toward it. Last evaluated 2025-08-31.

Conditions:
Endometrial carcinoma. Also called: Endometrial carcinoma, somatic. Identifiers: MedGen C0476089, MONDO:0002447, OMIM 608089, HP:0012114.
Malignant tumor of breast. Also called: Malignant breast neoplasm; Cancer breast. Identifiers: MedGen C0006142, MONDO:0007254. Disease mechanism: loss of function.
Hereditary nonpolyposis colorectal neoplasms. Identifiers: MedGen C0009405, MeSH D003123.
Hereditary cancer-predisposing syndrome. Also called: Neoplastic Syndromes, Hereditary; Tumor predisposition; Hereditary Cancer Syndrome; Hereditary neoplastic syndrome. Identifiers: Orphanet 140162, MedGen C0027672, MeSH D009386, MONDO:0015356.
Lynch syndrome. Identifiers: Orphanet 144, MedGen C4552100, MONDO:0005835. Disease mechanism: loss of function.

Allele frequency attached by ClinVar (database versions not stated): gnomAD 0.00001; gnomAD exomes 0.00001 and 0.00002; TOPMed 0.00001; ExAC 0.00002; ESP Exome Variant Server 0.00008.
gnomAD v4.1: 28 of 1,612,922 alleles (0.0017%); highest among the groups gnomAD compares: Non-Finnish European, 0.0023%; no homozygotes.

Submissions (7):

Ambry Genetics
Classification: Uncertain significance for Hereditary cancer-predisposing syndrome. Last evaluated: 2025-08-31. Review status: criteria provided, single submitter. Criteria: Ambry Variant Classification Scheme 2023. Collection method: clinical testing. Allele origin: germline.
Comment: The p.N223D variant (also known as c.667A>G), located in coding exon 4 of the MSH6 gene, results from an A to G substitution at nucleotide position 667. The asparagine at codon 223 is replaced by aspartic acid, an amino acid with highly similar properties. This amino acid position is not well conserved in available vertebrate species. In addition, this alteration is predicted to be tolerated by in silico analysis. Since supporting evidence is limited at this time, the clinical significance of this alteration remains unclear.

Women's Health and Genetics/Laboratory Corporation of America, LabCorp
Classification: Uncertain significance. Last evaluated: 2025-07-17. Review status: criteria provided, single submitter. Criteria: LabCorp Variant Classification Summary - May 2015. Collection method: clinical testing. Allele origin: germline.
Comment: Variant summary: MSH6 c.667A>G (p.Asn223Asp) results in a conservative amino acid change in the encoded protein sequence. Algorithms developed to predict the effect of missense changes on protein structure and function all suggest that this variant is likely to be tolerated. The variant allele was found at a frequency of 8e-06 in 249596 control chromosomes. The available data on variant occurrences in the general population are insufficient to allow any conclusion about variant significance. To our knowledge, c.667A>G has not been observed in individual(s) affected with MSH6-related conditions and no experimental evidence demonstrating an impact on protein function has been reported. The following publications have been ascertained in the context of this evaluation (PMID: 26689913, 23621914, 29899834). ClinVar contains an entry for this variant (Variation ID: 232585). Based on the evidence outlined above, the variant was classified as uncertain significance.

Color Diagnostics, LLC DBA Color Health
Classification: Uncertain significance for Hereditary cancer-predisposing syndrome. Last evaluated: 2025-06-11. Review status: criteria provided, single submitter. Criteria: ACMG Guidelines, 2015. Collection method: clinical testing. Allele origin: germline.
Comment: This missense variant replaces asparagine with aspartic acid at codon 223 of the MSH6 protein. Computational prediction suggests that this variant may not impact protein structure and function. To our knowledge, functional studies have not been reported for this variant. This variant has not been reported in individuals affected with MSH6-related disorders in the literature. This variant has been identified in 2/249596 chromosomes in the general population by the Genome Aggregation Database (gnomAD). The available evidence is insufficient to determine the role of this variant in disease conclusively. Therefore, this variant is classified as a Variant of Uncertain Significance.

Labcorp Genetics (formerly Invitae), Labcorp
Classification: Likely benign for Hereditary nonpolyposis colorectal neoplasms. Last evaluated: 2025-06-02. Review status: criteria provided, single submitter. Criteria: Invitae Variant Classification Sherloc (09022015). Collection method: clinical testing. Allele origin: germline.

Baylor Genetics
Classification: Uncertain significance for Endometrial carcinoma. Last evaluated: 2024-02-27. Review status: criteria provided, single submitter. Criteria: ACMG Guidelines, 2015. Collection method: clinical testing. Allele origin: unknown.

All of Us Research Program, National Institutes of Health
Classification: Uncertain significance for Lynch syndrome. Last evaluated: 2023-06-27. Review status: criteria provided, single submitter. Criteria: ACMG Guidelines, 2015. Collection method: clinical testing. Allele origin: germline. Inheritance: Autosomal dominant inheritance. Observed: 2 variant alleles, 2 heterozygotes.
Comment: This missense variant replaces asparagine with aspartic acid at codon 223 of the MSH6 protein. Computational prediction suggests that this variant may not impact protein structure and function (internally defined REVEL score threshold <= 0.5, PMID: 27666373). To our knowledge, functional studies have not been reported for this variant. This variant has not been reported in individuals affected with MSH6-related disorders in the literature. This variant has been identified in 2/249596 chromosomes in the general population by the Genome Aggregation Database (gnomAD). The available evidence is insufficient to determine the role of this variant in disease conclusively. Therefore, this variant is classified as a Variant of Uncertain Significance.

This study involves interpretation of variants in research participants for the purpose of population health screening. Participant phenotype was not available at the time of variant classification. Additional details can be found in publication PMID: 35346344, PMCID: PMC8962531

Department of Pathology and Laboratory Medicine, Sinai Health System
Classification: Uncertain significance for Malignant tumor of breast. Review status: no assertion criteria provided. Collection method: clinical testing. Allele origin: unknown. Affected: yes. Observed: 1 variant allele. Study: The Canadian Open Genetics Repository (COGR). Not counted in ClinVar's aggregate classification.
Comment: The MSH6 p.Asn223Asp variant was assessed to have no impact on the MSH6 protein using a bioinformatics tool CoDP (Combination of the Different Properties) that integrates the prediction results of MAPP, PolyPhen-2 and SIFT, in addition to 2 other structural properties (solvent accessibility and change in the number of heavy atoms of amino acids (Terui_2013_23621914). The variant was also identified in dbSNP (ID: rs374041375) â€šÃ„ÃºWith Uncertain significance alleleâ€šÃ„Ã¹, ClinVar (classified uncertain significance by Ambry Genetics and Invitae), Clinvitae (2x), and in control databases in 2 of 244386 chromosomes at a frequency of 0.000008 (Genome Aggregation Database Feb 27, 2017). Breakdown of the observations by population include European Non-Finnish in 2 of 111096 chromosomes (freq: 0.00002), while not observed in the African, Other, Latino, Ashkenazi Jewish, East Asian, European Finnish, and South Asian populations. The variant was not identified in GeneInSight-COGR, Cosmic, MutDB, UMD-LSDB, Insight Colon Cancer Gene Variant Database, Zhejiang Colon Cancer Database, Mismatch Repair Genes Variant Database, or Insight Hereditary Tumors Database. The p.Asn223 residue is conserved in in mammals but not in more distantly related organisms however computational analyses (PolyPhen-2, SIFT, AlignGVGD, BLOSUM, MutationTaster) do not suggest a high likelihood the variant Asp impacts the protein; this information is not predictive enough to rule out pathogenicity. The variant occurs outside of the splicing consensus sequence and in silico or computational prediction software programs (SpliceSiteFinder, MaxEntScan, NNSPLICE, GeneSplicer, HumanSpliceFinder) do not predict a difference in splicing. In summary, based on the above information the clinical significance of this variant cannot be determined with certainty at this time. This variant is classified as a variant of uncertain significance.

Literature cited by the submitters: PubMed 32885271 (cited by Ambry Genetics); PubMed 23621914 (cited by Women's Health and Genetics/Laboratory Corporation of America, LabCorp); PubMed 26689913 (cited by Women's Health and Genetics/Laboratory Corporation of America, LabCorp); PubMed 29899834 (cited by Women's Health and Genetics/Laboratory Corporation of America, LabCorp).

NM_000179.3(MSH6):c.667A>G (p.Asn223Asp)

Gene: MSH6 (mutS homolog 6; plus strand). Cytogenetic location: 2p16.3.
Variant type: single nucleotide variant.
Coding change: c.667A>G on transcript NM_000179.3 (MANE Select); coding-DNA position 667, A replaced by G.
Protein change: p.Asn223Asp; replaces asparagine 223 with aspartic acid.
Molecular consequence: missense variant. On other transcripts: 5 prime UTR variant (2).
Genome position (GRCh38, 1-based): chr2:47,798,650, A>G. VCF-style: chr2-47798650-A-G. GRCh37 (hg19) VCF-style: chr2-48025789-A-G.
Other names: c.277A>G, p.Asn93Asp (NM_001281492.2); c.-240A>G (NM_001281493.2, NM_001281494.2); short protein forms N223D, N93D.
Identifiers: ClinVar variation 232585 (VCV000232585.28), dbSNP rs374041375, ClinGen allele CA073334.